The following is an entry in ClinVar:

NM_000346.4(SOX9):c.1081C>A (p.Gln361Lys)

Gene: SOX9 (SRY-box transcription factor 9; plus strand). Cytogenetic location: 17q24.3.
Variant type: single nucleotide variant.
Coding change: c.1081C>A on transcript NM_000346.4 (MANE Select); coding-DNA position 1081, C replaced by A.
Protein change: p.Gln361Lys; replaces glutamine 361 with lysine.
Molecular consequence: missense variant.
Genome position (GRCh38, 1-based): chr17:72,123,938, C>A. VCF-style: chr17-72123938-C-A. GRCh37 (hg19) VCF-style: chr17-70120079-C-A.
Other names: short protein forms Q361K.
Identifiers: ClinVar variation 2274809 (VCV002274809.7), dbSNP rs1255573826, ClinGen allele CA400867672.
Genomic context (GRCh38, chr17:72,123,938, plus strand): 5'-GCGCCGCCGCCACCCCCGCAGCAGCCCCCACAGGCCCCGCCGGCCCCGCAGGCGCCCCCG[C>A]AGCCGCAGGCGGCGCCCCCACAGCAGCCGGCGGCACCCCCGCAGCAGCCACAGGCGCACA-3'
Protein context (NP_000337.1, residues 351-371): QAPPAPQAPP[Gln361Lys]PQAAPPQQPA

ClinVar aggregate classification (germline): Conflicting classifications of pathogenicity. Review status: criteria provided, conflicting classifications (1 of 4 stars). 4 submissions from 4 submitters: Uncertain significance (1); Benign (1); Likely benign (2). Last evaluated 2026-07-01.

Conditions:
Inborn genetic diseases. Identifiers: MedGen C0950123, MeSH D030342.
Camptomelic dysplasia (CMPD). Also called: CMPD1/SRA1; Campomelic Dysplasia. Identifiers: Orphanet 140, MedGen C1861922, MONDO:0007251, OMIM 114290.

Allele frequency attached by ClinVar (database versions not stated): gnomAD 0.00002; gnomAD exomes 0.00002; TOPMed 0.00002.

Submissions (4):

CeGaT Center for Human Genetics Tuebingen
Classification: Likely benign. Last evaluated: 2026-07-01. Review status: criteria provided, single submitter. Criteria: CeGaT Center For Human Genetics Tuebingen Variant Classification Criteria Version 2. Collection method: clinical testing. Allele origin: germline. Affected: yes. Observed: 1 variant allele.
Comment: SOX9: BS2

Labcorp Genetics (formerly Invitae), Labcorp
Classification: Benign for Camptomelic dysplasia. Last evaluated: 2025-12-03. Review status: criteria provided, single submitter. Criteria: Invitae Variant Classification Sherloc (09022015). Collection method: clinical testing. Allele origin: germline.

Blueprint Genetics
Classification: Likely benign. Last evaluated: 2024-11-04. Review status: criteria provided, single submitter. Criteria: ACMG Guidelines, 2015. Collection method: clinical testing. Allele origin: germline.

Ambry Genetics
Classification: Uncertain significance for Inborn genetic diseases. Last evaluated: 2022-11-10. Review status: criteria provided, single submitter. Criteria: Ambry Variant Classification Scheme 2023. Collection method: clinical testing. Allele origin: germline.